The following is an entry in ClinVar:

NM_001130823.3(DNMT1):c.3310-15T>G

Gene: DNMT1 (DNA methyltransferase 1; minus strand). Cytogenetic location: 19p13.2.
Variant type: single nucleotide variant.
Coding change: c.3310-15T>G on transcript NM_001130823.3 (MANE Select); 15 bases into the intron before coding-DNA position 3310, T replaced by G.
Molecular consequence: intron variant.
Genome position (GRCh38, 1-based): chr19:10,141,204, A>C on the plus strand (T>G on the coding strand, the complement: DNMT1 is on the minus strand). VCF-style: chr19-10141204-A-C. GRCh37 (hg19) VCF-style: chr19-10251880-A-C.
Other names: c.2947-15T>G (NM_001318731.2); c.3262-15T>G (NM_001379.4, NM_001318730.2).
Identifiers: ClinVar variation 3719228 (VCV003719228.2).

ClinVar aggregate classification (germline): Uncertain significance (1 of 4 stars; one submission).

Conditions:
Hereditary sensory neuropathy-deafness-dementia syndrome. Also called: Hereditary Sensory and Autonomic Neuropathy Type 1E (HSAN1E); Hereditary sensory neuropathy type IE; NEUROPATHY, HEREDITARY SENSORY, WITH HEARING LOSS AND DEMENTIA; HSN IE. Identifiers: Orphanet 456318, MedGen C3279885, MONDO:0013584, OMIM 614116.

Submission:

Labcorp Genetics (formerly Invitae), Labcorp
Classification: Uncertain significance for Hereditary sensory neuropathy-deafness-dementia syndrome. Last evaluated: 2024-10-08. Review status: criteria provided, single submitter. Criteria: Invitae Variant Classification Sherloc (09022015). Collection method: clinical testing. Allele origin: germline.
Comment: This sequence change falls in intron 30 of the DNMT1 gene. It does not directly change the encoded amino acid sequence of the DNMT1 protein. This variant is not present in population databases (gnomAD no frequency). This variant has not been reported in the literature in individuals affected with DNMT1-related conditions. Algorithms developed to predict the effect of sequence changes on RNA splicing suggest that this variant may create or strengthen a splice site. In summary, the available evidence is currently insufficient to determine the role of this variant in disease. Therefore, it has been classified as a Variant of Uncertain Significance.